The following is an entry in ClinVar:

NM_003334.4(UBA1):c.904A>G (p.Ser302Gly)

Gene: UBA1 (ubiquitin like modifier activating enzyme 1; plus strand). Cytogenetic location: Xp11.3.
Variant type: single nucleotide variant.
Coding change: c.904A>G on transcript NM_003334.4 (MANE Select); coding-DNA position 904, A replaced by G.
Protein change: p.Ser302Gly; replaces serine 302 with glycine.
Molecular consequence: missense variant.
Genome position (GRCh38, 1-based): chrX:47,202,248, A>G. VCF-style: chrX-47202248-A-G. GRCh37 (hg19) VCF-style: chrX-47061647-A-G.
Other names: c.904A>G, p.Ser302Gly (NM_153280.3); short protein forms S302G.
Identifiers: ClinVar variation 971382 (VCV000971382.13), dbSNP rs200541240, ClinGen allele CA10395782.

ClinVar aggregate classification (germline): Conflicting classifications of pathogenicity. Review status: criteria provided, conflicting classifications (1 of 4 stars). 3 submissions from 3 submitters: Uncertain significance (1); Likely benign (2). Last evaluated 2024-10-20.

Conditions:
Inborn genetic diseases. Identifiers: MedGen C0950123, MeSH D030342.
Infantile-onset X-linked spinal muscular atrophy. Also called: AMC, DISTAL, X-LINKED; ARTHROGRYPOSIS, X-LINKED, TYPE I; Spinal muscular atrophy, X-linked 2; SPINAL MUSCULAR ATROPHY, X-LINKED LETHAL INFANTILE; Spinal Muscular Atrophy, X-Linked Infantile. Identifiers: Orphanet 1145, MedGen C1844934, MONDO:0010532, OMIM 301830.

Allele frequency attached by ClinVar (database versions not stated): ExAC 0.00001; gnomAD exomes 0.00002; gnomAD 0.00016 and 0.00017; 1000 Genomes Project 0.00026; TOPMed 0.00041; 1000 Genomes Project 30x 0.00042.
gnomAD v4.1: 35 of 1,206,682 alleles (0.0029%); highest among the groups gnomAD compares: Admixed American, 0.05%; no homozygotes.

Submissions (3):

Labcorp Genetics (formerly Invitae), Labcorp
Classification: Uncertain significance for Infantile-onset X-linked spinal muscular atrophy. Last evaluated: 2024-10-20. Review status: criteria provided, single submitter. Criteria: Invitae Variant Classification Sherloc (09022015). Collection method: clinical testing. Allele origin: germline.
Comment: This sequence change replaces serine, which is neutral and polar, with glycine, which is neutral and non-polar, at codon 302 of the UBA1 protein (p.Ser302Gly). The frequency data for this variant in the population databases is considered unreliable, as metrics indicate poor data quality at this position in the gnomAD database. This variant has not been reported in the literature in individuals affected with UBA1-related conditions. ClinVar contains an entry for this variant (Variation ID: 971382). An algorithm developed to predict the effect of missense changes on protein structure and function (PolyPhen-2) suggests that this variant is likely to be tolerated. In summary, the available evidence is currently insufficient to determine the role of this variant in disease. Therefore, it has been classified as a Variant of Uncertain Significance.

Ambry Genetics
Classification: Likely benign for Inborn genetic diseases. Last evaluated: 2023-03-07. Review status: criteria provided, single submitter. Criteria: Ambry Variant Classification Scheme 2023. Collection method: clinical testing. Allele origin: germline.

GeneDx
Classification: Likely benign. Last evaluated: 2020-10-15. Review status: criteria provided, single submitter. Criteria: GeneDx Variant Classification Process June 2021. Collection method: clinical testing. Allele origin: germline. Affected: yes.